The following is an entry in ClinVar:

NM_198506.5(LRIT3):c.1679C>A (p.Pro560His)

Gene: LRIT3 (leucine rich repeat, Ig-like and transmembrane domains 3; plus strand). Cytogenetic location: 4q25.
Variant type: single nucleotide variant.
Coding change: c.1679C>A on transcript NM_198506.5 (MANE Select); coding-DNA position 1679, C replaced by A.
Protein change: p.Pro560His; replaces proline 560 with histidine.
Molecular consequence: missense variant.
Genome position (GRCh38, 1-based): chr4:109,870,428, C>A. VCF-style: chr4-109870428-C-A. GRCh37 (hg19) VCF-style: chr4-110791584-C-A.
Other names: c.1544C>A (NM_198506.2); short protein forms P560H.
Identifiers: ClinVar variation 1015835 (VCV001015835.4), dbSNP rs1734804077, ClinGen allele CA357872509.

ClinVar aggregate classification (germline): Uncertain significance. Review status: criteria provided, multiple submitters, no conflicts (2 of 4 stars). 2 submissions from 2 submitters: Uncertain significance (2). Last evaluated 2022-10-26.

Conditions:
Inborn genetic diseases. Identifiers: MedGen C0950123, MeSH D030342.

Submissions (2):

Ambry Genetics
Classification: Uncertain significance for Inborn genetic diseases. Last evaluated: 2022-10-26. Review status: criteria provided, single submitter. Criteria: Ambry Variant Classification Scheme 2023. Collection method: clinical testing. Allele origin: germline.

Labcorp Genetics (formerly Invitae), Labcorp
Classification: Uncertain significance. Last evaluated: 2022-02-08. Review status: criteria provided, single submitter. Criteria: Invitae Variant Classification Sherloc (09022015). Collection method: clinical testing. Allele origin: germline.
Comment: This sequence change replaces proline, which is neutral and non-polar, with histidine, which is basic and polar, at codon 560 of the LRIT3 protein (p.Pro560His). This variant is not present in population databases (gnomAD no frequency). This variant has not been reported in the literature in individuals affected with LRIT3-related conditions. ClinVar contains an entry for this variant (Variation ID: 1015835). Algorithms developed to predict the effect of missense changes on protein structure and function are either unavailable or do not agree on the potential impact of this missense change (SIFT: "Deleterious"; PolyPhen-2: "Benign"; Align-GVGD: "Class C0"). In summary, the available evidence is currently insufficient to determine the role of this variant in disease. Therefore, it has been classified as a Variant of Uncertain Significance.